The following is an entry in ClinVar:

NM_006231.4(POLE):c.979G>A (p.Glu327Lys)

Gene: POLE (DNA polymerase epsilon, catalytic subunit; minus strand). Cytogenetic location: 12q24.33.
Variant type: single nucleotide variant.
Coding change: c.979G>A on transcript NM_006231.4 (MANE Select); coding-DNA position 979, G replaced by A.
Protein change: p.Glu327Lys; replaces glutamic acid 327 with lysine.
Molecular consequence: missense variant.
Genome position (GRCh38, 1-based): chr12:132,676,135, C>T on the plus strand (G>A on the coding strand, the complement: POLE is on the minus strand). VCF-style: chr12-132676135-C-T. GRCh37 (hg19) VCF-style: chr12-133252721-C-T.
Other names: short protein forms E327K.
Identifiers: ClinVar variation 240637 (VCV000240637.14), dbSNP rs772154998, ClinGen allele CA10583023.

ClinVar aggregate classification (germline): Uncertain significance. Review status: criteria provided, multiple submitters, no conflicts (2 of 4 stars). 2 submissions from 2 submitters: Uncertain significance (2). Last evaluated 2026-01-13.

Conditions:
Hereditary cancer-predisposing syndrome. Also called: Tumor predisposition; Hereditary neoplastic syndrome; Hereditary Cancer Syndrome; Neoplastic Syndromes, Hereditary. Identifiers: Orphanet 140162, MedGen C0027672, MeSH D009386, MONDO:0015356.

gnomAD v4.1: 2 of 1,612,488 alleles (0.00012%); highest among the groups gnomAD compares: Non-Finnish European, 0.00017%; no homozygotes.

Submissions (2):

Ambry Genetics
Classification: Uncertain significance for Hereditary cancer-predisposing syndrome. Last evaluated: 2026-01-13. Review status: criteria provided, single submitter. Criteria: Ambry Variant Classification Scheme 2023. Collection method: clinical testing. Allele origin: germline.
Comment: The p.E327K variant (also known as c.979G>A), located in coding exon 10 of the POLE gene, results from a G to A substitution at nucleotide position 979. The glutamic acid at codon 327 is replaced by lysine, an amino acid with similar properties. This amino acid position is highly conserved in available vertebrate species. In addition, the in silico prediction for this alteration is inconclusive. Based on the available evidence, the clinical significance of this variant remains unclear.

Labcorp Genetics (formerly Invitae), Labcorp
Classification: Uncertain significance. Last evaluated: 2023-01-22. Review status: criteria provided, single submitter. Criteria: Invitae Variant Classification Sherloc (09022015). Collection method: clinical testing. Allele origin: germline.
Comment: In summary, the available evidence is currently insufficient to determine the role of this variant in disease. Therefore, it has been classified as a Variant of Uncertain Significance. Advanced modeling of protein sequence and biophysical properties (such as structural, functional, and spatial information, amino acid conservation, physicochemical variation, residue mobility, and thermodynamic stability) performed at Invitae indicates that this missense variant is expected to disrupt POLE protein function. ClinVar contains an entry for this variant (Variation ID: 240637). This variant has not been reported in the literature in individuals affected with POLE-related conditions. This variant is present in population databases (no rsID available, gnomAD 0.0009%). This sequence change replaces glutamic acid, which is acidic and polar, with lysine, which is basic and polar, at codon 327 of the POLE protein (p.Glu327Lys).